The following is an entry in ClinVar:

ClinVar aggregate classification (germline): Uncertain significance (1 of 4 stars; one submission).

Conditions:
Familial melanoma. Also called: Hereditary melanoma; Hereditary cutaneous melanoma. Identifiers: Orphanet 618, MedGen C1512419, MONDO:0018961.

Submission:

Labcorp Genetics (formerly Invitae), Labcorp
Classification: Uncertain significance for Familial melanoma. Last evaluated: 2022-09-01. Review status: criteria provided, single submitter. Criteria: Invitae Variant Classification Sherloc (09022015). Collection method: clinical testing. Allele origin: germline.
Comment: In summary, the available evidence is currently insufficient to determine the role of this variant in disease. Therefore, it has been classified as a Variant of Uncertain Significance. Algorithms developed to predict the effect of missense changes on protein structure and function output the following: SIFT: "Tolerated"; PolyPhen-2: "Benign"; Align-GVGD: "Class C0". The glutamic acid amino acid residue is found in multiple mammalian species, which suggests that this missense change does not adversely affect protein function. ClinVar contains an entry for this variant (Variation ID: 1466187). This variant has not been reported in the literature in individuals affected with CDKN2A (p16INK4a)-related conditions. This variant is not present in population databases (gnomAD no frequency). This sequence change replaces aspartic acid, which is acidic and polar, with glutamic acid, which is acidic and polar, at codon 14 of the CDKN2A (p16INK4a) protein (p.Asp14Glu).

NM_000077.5(CDKN2A):c.42C>G (p.Asp14Glu)

Gene: CDKN2A (cyclin dependent kinase inhibitor 2A; minus strand). Cytogenetic location: 9p21.3.
Variant type: single nucleotide variant.
Coding change: c.42C>G on transcript NM_000077.5; coding-DNA position 42, C replaced by G.
Protein change: p.Asp14Glu; replaces aspartic acid 14 with glutamic acid.
Molecular consequence: missense variant (on NM_000077.6). On other transcripts: intron variant (2).
Genome position (GRCh38, 1-based): chr9:21,974,786, G>C on the plus strand (C>G on the coding strand, the complement: CDKN2A is on the minus strand). VCF-style: chr9-21974786-G-C. GRCh37 (hg19) VCF-style: chr9-21974785-G-C.
Other names: c.42C>G, p.Asp14Glu (NM_000077.6, NM_001195132.2, NM_058197.5); c.-3-3578C>G (NM_001363763.2); c.194-3578C>G (NM_058195.4); short protein forms D14E.
Identifiers: ClinVar variation 1466187 (VCV001466187.4), dbSNP rs1819961127, ClinGen allele CA373086661.